The following is an entry in ClinVar:

ClinVar aggregate classification (germline): Pathogenic. Review status: criteria provided, multiple submitters, no conflicts (2 of 4 stars). 17 submissions from 17 submitters: Pathogenic (15). 2 of the submissions do not count toward it. Last evaluated 2026-09-16.

Conditions:
RBM20-related disorder. Also called: RBM20-related condition.
Cardiovascular phenotype. Identifiers: MedGen CN230736.
Dilated cardiomyopathy 1S (CMD1S). Identifiers: Orphanet 154, Orphanet 54260, MedGen C1834481, MONDO:0013262, OMIM 613426.
Primary dilated cardiomyopathy (DCM). Also called: Dilated Cardiomyopathy. Identifiers: Orphanet 217604, MedGen C0007193, MeSH D002311, MONDO:0005021, HP:0001644. Inheritance: Various modes of inheritance.
Dilated cardiomyopathy 1DD (CMD1DD). Identifiers: Orphanet 154, MedGen C2750995, MONDO:0013168, OMIM 613172.

Allele frequency attached by ClinVar (database versions not stated): gnomAD exomes below 0.00001.

Submissions 1 to 11 of 17:

Molecular Diagnostic Laboratory for Inherited Cardiovascular Disease, Montreal Heart Institute
Classification: Pathogenic for Cardiovascular phenotype. Last evaluated: 2026-09-16. Review status: criteria provided, single submitter. Criteria: ACMG Guidelines, 2015. Collection method: clinical testing. Allele origin: germline. Affected: yes.

Labcorp Genetics (formerly Invitae), Labcorp
Classification: Pathogenic for Dilated cardiomyopathy 1DD. Last evaluated: 2025-12-17. Review status: criteria provided, single submitter. Criteria: Invitae Variant Classification Sherloc (09022015). Collection method: clinical testing. Allele origin: germline.
Comment: This sequence change replaces proline, which is neutral and non-polar, with leucine, which is neutral and non-polar, at codon 638 of the RBM20 protein (p.Pro638Leu). This variant is not present in population databases (gnomAD no frequency). This missense change has been observed in individual(s) with dilated cardiomyopathy (DCM) (PMID: 19712804, 22004663). It has also been observed to segregate with disease in related individuals. ClinVar contains an entry for this variant (Variation ID: 268). Invitae Evidence Modeling of protein sequence and biophysical properties (such as structural, functional, and spatial information, amino acid conservation, physicochemical variation, residue mobility, and thermodynamic stability) has been performed for this missense variant. However, the output from this modeling did not meet the statistical confidence thresholds required to predict the impact of this variant on RBM20 protein function. Experimental studies have shown that this missense change affects RBM20 function (PMID: 22466703). For these reasons, this variant has been classified as Pathogenic.

Genomic Medicine Center of Excellence, King Faisal Specialist Hospital and Research Centre
Classification: Pathogenic for Dilated cardiomyopathy 1DD. Last evaluated: 2025-09-10. Review status: criteria provided, single submitter. Criteria: ACMG Guidelines, 2015. Collection method: clinical testing. Allele origin: germline.

Victorian Clinical Genetics Services, Murdoch Childrens Research Institute
Classification: Pathogenic for Dilated cardiomyopathy 1DD. Last evaluated: 2025-07-15. Review status: criteria provided, single submitter. Criteria: ACMG Guidelines, 2015. Collection method: clinical testing. Allele origin: germline.
Comment: This variant is classified as Pathogenic. Evidence in support of pathogenic classification: Variant is present in gnomAD <0.001 for a dominant condition (v4: 2 heterozygote(s), 0 homozygote(s)); This variant has strong previous evidence of pathogenicity in unrelated individuals. This variant has been classified as pathogenic by multiple clinical laboratories in ClinVar. This variant has also been reported in the literature in at least one family with dilated cardiomyopathy (PMID: 32840935); This variant has strong functional evidence supporting abnormal protein function. Functional studies of mutant protein in C2C12 cell culture and human cardiac tissue has shown protein mislocalisation to the cytoplasm (PMID: 32840935); Variant is located in a hotspot region or cluster of PATHOGENIC variants. This variant is located within a hotspot region in the RS domain (DECIPHER, PMID: 32840935); Missense variant predicted to be damaging by in silico tool(s) or highly conserved with a major amino acid change. Additional information: Variant is predicted to result in a missense amino acid change from proline to leucine; This variant is heterozygous; This gene is associated with autosomal dominant disease; Loss of function is a likely mechanism of disease in this gene and is associated with dilated cardiomyopathy 1DD (MIM#613172) (PMIDs: 27496873, 34575212). While some publications suggest a dominant negative mechanism for variants affecting amino acid residues between 630 and 640 (PMIDs: 32187365, 29895960), haploinsufficiency has been shown by a recent paper for a single missense variant (PMID: 32840935). Gain of function has also been suggested (PMID: 34575212); Inheritance information for this variant is not currently available in this individual.

Clinical Genetics Laboratory, Skane University Hospital Lund
Classification: Pathogenic for Dilated cardiomyopathy 1DD. Last evaluated: 2025-05-19. Review status: criteria provided, single submitter. Criteria: ACMG Guidelines, 2015. Collection method: clinical testing. Allele origin: germline. Inheritance: Autosomal dominant inheritance. Affected: yes.
Comment: ACMG criteria used: PS3_supporting, PS4, PM2, PP1_strong and PP3.

Laboratory of Genetics, Children's Clinical University Hospital Latvia
Classification: Pathogenic. Last evaluated: 2025-02-16. Review status: criteria provided, single submitter. Criteria: ACMG Guidelines, 2015. Collection method: clinical testing. Allele origin: germline. Affected: yes.

Dasa
Classification: Pathogenic. Last evaluated: 2024-09-01. Review status: criteria provided, single submitter. Criteria: DASA Assertion Criteria. Collection method: clinical testing. Allele origin: germline.
Comment: NM_001134363.3(RBM20):c.1913C>T (p.Pro638Leu) is a missense variant that results in the substitution of proline with leucine. Functional evidence supports a deleterious effect on the gene or gene product (PMID: 19712804; PMID: 22004663; PMID: 29369293). This variant has been recurrently observed in individuals with related phenotype (PMID: 19712804; PMID: 22004663; PMID: 29369293). Segregation evidence has been reported in affected families. Multiple computational predictions support a deleterious effect on the gene or gene product. Based on the available data, this variant is classified as pathogenic.

Revvity Omics, Revvity
Classification: Pathogenic for Dilated cardiomyopathy 1DD. Last evaluated: 2023-08-03. Review status: criteria provided, single submitter. Criteria: ACMG Guidelines, 2015. Collection method: clinical testing. Allele origin: germline.

PreventionGenetics, part of Exact Sciences
Classification: Pathogenic for RBM20-related condition. Last evaluated: 2023-06-12. Review status: criteria provided, single submitter. Criteria: ACMG Guidelines, 2015. Collection method: clinical testing. Allele origin: germline.
Comment: The RBM20 c.1913C>T variant is predicted to result in the amino acid substitution p.Pro638Leu. This variant has been reported in many individuals with dilated cardiomyopathy and has been shown to segregate with disease in multiple large families (see for example, Brauch et al 2009. PubMed ID: 19712804; Gaertner A et al 2020. PubMed ID: 32840935; Long PA et al 2017. PubMed ID: 29367541). In addition, functional analysis in vitro, suggests that the p.Pro638Leu variant is deleterious (Guo W et al 2012. PubMed ID: 22466703; Gaertner A et al 2020. PubMed ID: 32840935). This variant has not been reported in a large population database, indicating it is rare. This variant is interpreted as pathogenic.

GeneDx
Classification: Pathogenic. Last evaluated: 2022-07-26. Review status: criteria provided, single submitter. Criteria: GeneDx Variant Classification Process June 2021. Collection method: clinical testing. Allele origin: germline. Affected: yes.
Comment: Not observed at significant frequency in large population cohorts (gnomAD); In silico analysis supports that this missense variant has a deleterious effect on protein structure/function; Published functional studies demonstrate a damaging effect as a cell-based splice reporter assay showed complete loss of protein function (Guo et al., 2012) and human cardiac tissue cell culture showed an abnormal cytoplasmic localization of the protein (Gaertner et al., 2020); This variant is associated with the following publications: (PMID: 24584570, 24503780, 24033266, 22004663, 27532257, 29367541, 28798025, 30547036, 20590677, 32969603, 29650543, 30871351, 30871348, 29253866, 32840935, 30847666, 32746448, 19712804, 22466703, 31737537)

3billion
Classification: Pathogenic for Dilated cardiomyopathy 1DD. Last evaluated: 2022-03-22. Review status: criteria provided, single submitter. Criteria: ACMG Guidelines, 2015. Collection method: clinical testing. Allele origin: germline. Affected: yes. Observed: 1 heterozygote.
Comment: Same nucleotide change resulting in same amino acid change has been previously reported as pathogenic/likely pathogenic with strong evidence (ClinVar ID: VCV000000268, PMID:19712804). A different missense change at the same codon has been reported as pathogenic/likely pathogenic with strong evidence (ClinVar ID: VCV000202063). In silico tool predictions suggest damaging effect of the variant on gene or gene product (REVEL: 0.81>=0.6). A missense variant is a common mechanism associated with Cardiomyopathy, dilated, 1DD . It is not observed in the gnomAD v2.1.1 dataset. Therefore, this variant is classified as pathogenic according to the recommendation of ACMG/AMP guideline.

NM_001134363.3(RBM20):c.1913C>T (p.Pro638Leu)

Gene: RBM20 (RNA binding motif protein 20; plus strand). Cytogenetic location: 10q25.2.
Variant type: single nucleotide variant.
Coding change: c.1913C>T on transcript NM_001134363.3 (MANE Select); coding-DNA position 1913, C replaced by T.
Protein change: p.Pro638Leu; replaces proline 638 with leucine.
Molecular consequence: missense variant.
Genome position (GRCh38, 1-based): chr10:110,812,310, C>T. VCF-style: chr10-110812310-C-T. GRCh37 (hg19) VCF-style: chr10-112572068-C-T.
Other names: p.P638L:CCG>CTG; short protein forms P638L.
Identifiers: ClinVar variation 268 (VCV000000268.31), dbSNP rs267607003, ClinGen allele CA251405.
Genomic context (GRCh38, chr10:110,812,310, plus strand): 5'-TAAATCCTGCTCCTTGGCTCCCTCACAGATATGGCCCAGAAAGGCCGCGGTCTCGTAGTC[C>T]GGTGAGCCGGTCACTCTCCCCGAGGTCCCACACTCCCAGCTTCACCTCCTGCAGCTCTTC-3'
Protein context (NP_001127835.2, residues 628-648): YGPERPRSRS[Pro638Leu]VSRSLSPRSH